The following is an entry in ClinVar:

NM_033409.4(SLC52A3):c.1201G>T (p.Ala401Ser)

Gene: SLC52A3 (solute carrier family 52 member 3; minus strand). Cytogenetic location: 20p13.
Variant type: single nucleotide variant.
Coding change: c.1201G>T on transcript NM_033409.4 (MANE Select); coding-DNA position 1201, G replaced by T.
Protein change: p.Ala401Ser; replaces alanine 401 with serine.
Molecular consequence: missense variant.
Genome position (GRCh38, 1-based): chr20:761,235, C>A on the plus strand (G>T on the coding strand, the complement: SLC52A3 is on the minus strand). VCF-style: chr20-761235-C-A. GRCh37 (hg19) VCF-style: chr20-741879-C-A.
Other names: c.1201G>T, p.Ala401Ser (NM_001370085.1, NM_001370086.1); short protein forms A401S.
Identifiers: ClinVar variation 944355 (VCV000944355.9), dbSNP rs544612142, ClinGen allele CA407962130.
Genomic context (GRCh38, chr20:761,235, plus strand): 5'-GGACCACGCCCAGCATCACCTTGACGTAACTGAGGCAGCCGCTGAAAAGCACCCACGAGG[C>A]CACCTGCGGGGCCGGGAGGGAAGAGGTGCAGAGTCACGGGGCTTGCGGGGCGAGCGCCGG-3'
Protein context (NP_212134.3, residues 391-411): GHWGGEVLIV[Ala401Ser]SWVLFSGCLS

ClinVar aggregate classification (germline): Uncertain significance. Review status: criteria provided, multiple submitters, no conflicts (2 of 4 stars). 2 submissions from 2 submitters: Uncertain significance (2). Last evaluated 2024-05-01.

Conditions:
Brown-Vialetto-van Laere syndrome 1. Also called: BROWN-VIALETTO-VAN LAERE SYNDROME 1, MILD; BULBAR PALSY, PROGRESSIVE, WITH SENSORINEURAL DEAFNESS; PONTOBULBAR PALSY WITH DEAFNESS. Identifiers: Orphanet 572550, Orphanet 97229, MedGen C0796274, MONDO:0024537, OMIM 211530.
Inborn genetic diseases. Identifiers: MedGen C0950123, MeSH D030342.

gnomAD v4.1: 4 of 1,548,398 alleles (0.00026%); highest among the groups gnomAD compares: Admixed American, 0.0039%; no homozygotes.

Submissions (2):

Ambry Genetics
Classification: Uncertain significance for Inborn genetic diseases. Last evaluated: 2024-05-01. Review status: criteria provided, single submitter. Criteria: Ambry Variant Classification Scheme 2023. Collection method: clinical testing. Allele origin: germline.

Labcorp Genetics (formerly Invitae), Labcorp
Classification: Uncertain significance for Brown-Vialetto-van Laere syndrome 1. Last evaluated: 2022-08-21. Review status: criteria provided, single submitter. Criteria: Invitae Variant Classification Sherloc (09022015). Collection method: clinical testing. Allele origin: germline.
Comment: This sequence change replaces alanine, which is neutral and non-polar, with serine, which is neutral and polar, at codon 401 of the SLC52A3 protein (p.Ala401Ser). The frequency data for this variant in the population databases is considered unreliable, as metrics indicate poor data quality at this position in the gnomAD database. This variant has not been reported in the literature in individuals affected with SLC52A3-related conditions. ClinVar contains an entry for this variant (Variation ID: 944355). Algorithms developed to predict the effect of missense changes on protein structure and function (SIFT, PolyPhen-2, Align-GVGD) all suggest that this variant is likely to be tolerated. In summary, the available evidence is currently insufficient to determine the role of this variant in disease. Therefore, it has been classified as a Variant of Uncertain Significance.